The following is an entry in ClinVar:

NM_005559.4(LAMA1):c.3124C>T (p.Gln1042Ter)

Gene: LAMA1 (laminin subunit alpha 1; minus strand). Cytogenetic location: 18p11.31.
Variant type: single nucleotide variant.
Coding change: c.3124C>T on transcript NM_005559.4 (MANE Select); coding-DNA position 3124, C replaced by T.
Protein change: p.Gln1042Ter; replaces glutamine 1042 with a stop codon.
Molecular consequence: nonsense.
Genome position (GRCh38, 1-based): chr18:7,015,724, G>A on the plus strand (C>T on the coding strand, the complement: LAMA1 is on the minus strand). VCF-style: chr18-7015724-G-A. GRCh37 (hg19) VCF-style: chr18-7015723-G-A.
Other names: short protein forms Q1042*.
Identifiers: ClinVar variation 421947 (VCV000421947.2), dbSNP rs1064795464, ClinGen allele CA16620719.

ClinVar aggregate classification (germline): Likely pathogenic (1 of 4 stars; one submission).

Submission:

GeneDx
Classification: Likely pathogenic. Last evaluated: 2016-08-16. Review status: criteria provided, single submitter. Criteria: GeneDx Variant Classification (06012015). Collection method: clinical testing. Allele origin: germline. Affected: yes.
Comment: The Q1042X variant in the LAMA1 gene has not been reported previously as a pathogenic variant nor as a benign variant, to our knowledge. This variant is predicted to cause loss of normal protein function either through protein truncation or nonsense-mediated mRNA decay. The Q1042X variant was not observed in approximately 6500 individuals of European and African American ancestry in the NHLBI Exome Sequencing Project, indicating it is not a common benign variant in these populations. The Q1042X variant is a strong candidate for a pathogenic variant; however, the possibility it may be a rare benign variant cannot be excluded.